The following is an entry in ClinVar:

ClinVar aggregate classification (germline): Uncertain significance. Review status: criteria provided, multiple submitters, no conflicts (2 of 4 stars). 2 submissions from 2 submitters: Uncertain significance (2). Last evaluated 2025-01-13.

Conditions:
Primary ciliary dyskinesia 23 (CILD23). Also called: CILIARY DYSKINESIA, PRIMARY, 23, WITH OR WITHOUT SITUS INVERSUS. Identifiers: Orphanet 244, MedGen C3809548, MONDO:0014193, OMIM 615451.
Primary ciliary dyskinesia. Also called: Ciliary dyskinesia. Identifiers: Orphanet 244, MedGen C0008780, MONDO:0016575, HP:0012265.

Allele frequency attached by ClinVar (database versions not stated): gnomAD exomes below 0.00001 and 0.00001; ExAC 0.00002; gnomAD 0.00007; TOPMed 0.00010.
gnomAD v4.1: 21 of 1,613,962 alleles (0.0013%); highest among the groups gnomAD compares: Admixed American, 0.018%; no homozygotes.

Submissions (2):

Labcorp Genetics (formerly Invitae), Labcorp
Classification: Uncertain significance for Primary ciliary dyskinesia 23. Last evaluated: 2025-01-13. Review status: criteria provided, single submitter. Criteria: Invitae Variant Classification Sherloc (09022015). Collection method: clinical testing. Allele origin: germline.
Comment: This sequence change replaces isoleucine, which is neutral and non-polar, with valine, which is neutral and non-polar, at codon 531 of the ARMC4 protein (p.Ile531Val). This variant is present in population databases (rs747804167, gnomAD 0.005%). This variant has not been reported in the literature in individuals affected with ARMC4-related conditions. ClinVar contains an entry for this variant (Variation ID: 1681372). An algorithm developed to predict the effect of missense changes on protein structure and function (PolyPhen-2) suggests that this variant is likely to be disruptive. In summary, the available evidence is currently insufficient to determine the role of this variant in disease. Therefore, it has been classified as a Variant of Uncertain Significance.

Ambry Genetics
Classification: Uncertain significance for Primary ciliary dyskinesia. Last evaluated: 2023-05-05. Review status: criteria provided, single submitter. Criteria: Ambry Variant Classification Scheme 2023. Collection method: clinical testing. Allele origin: germline.

NM_018076.5(ODAD2):c.1591A>G (p.Ile531Val)

Gene: ODAD2 (outer dynein arm docking complex subunit 2; minus strand). Cytogenetic location: 10p12.1.
Variant type: single nucleotide variant.
Coding change: c.1591A>G on transcript NM_018076.5 (MANE Select); coding-DNA position 1591, A replaced by G.
Protein change: p.Ile531Val; replaces isoleucine 531 with valine.
Molecular consequence: missense variant.
Genome position (GRCh38, 1-based): chr10:27,944,374, T>C on the plus strand (A>G on the coding strand, the complement: ODAD2 is on the minus strand). VCF-style: chr10-27944374-T-C. GRCh37 (hg19) VCF-style: chr10-28233303-T-C.
Other names: c.166A>G, p.Ile56Val (NM_001290021.2); c.667A>G, p.Ile223Val (NM_001312689.2); c.1591A>G, p.Ile531Val (NM_001290020.2); short protein forms I223V, I531V, I56V.
Identifiers: ClinVar variation 1681372 (VCV001681372.6), dbSNP rs747804167, ClinGen allele CA5453479.